The following continues an entry in ClinVar:

NM_000492.4(CFTR):c.1673T>C (p.Leu558Ser)

ClinVar aggregate classification (germline): Pathogenic. Pathogenic (1).

Submissions 11 to 13 of 13:

ARUP Laboratories, Molecular Genetics and Genomics, ARUP Laboratories
Classification: Pathogenic. Last evaluated: 2019-09-12. Review status: criteria provided, single submitter. Criteria: ARUP Molecular Germline Variant Investigation Process. Collection method: clinical testing. Allele origin: germline. Not counted in ClinVar's aggregate classification.
Comment: The CFTR c.1673T>C; p.Leu558Ser variant (rs193922504) is reported in the literature in multiple patients with cystic fibrosis (Chavez-Saldana 2010, Sosnay 2013, CFTR2 database), or CBAVD when found with a mild CFTR pathogenic variant (Li 2012). Functional analyses of the variant protein show a significant decrease in function (Raraigh 2018, Sosnay 2013). This variant is reported in ClinVar (Variation ID: 35829), and is only observed on one allele in the Genome Aggregation Database, indicating it is not a common polymorphism. The leucine at codon 558 is highly conserved, and computational analyses (SIFT, PolyPhen-2) predict that this variant is deleterious. Based on available information, this variant is considered to be pathogenic. References: Link to CFTR2 database: Chavez-Saldana M et al. CFTR allelic heterogeneity in Mexican patients with cystic fibrosis: implications for molecular screening. Rev Invest Clin. 2010 62(6):546-52. Li H et al. Mutations in the cystic fibrosis transmembrane conductance regulator (CFTR) in Chinese patients with congenital bilateral absence of vas deferens. J Cyst Fibros. 2012 11(4):316-23. Raraigh KS et al. Functional Assays Are Essential for Interpretation of Missense Variants Associated with Variable Expressivity. Am J Hum Genet. 2018 Jun 7;102(6):1062-1077. Sosnay PR et al. Defining the disease liability of variants in the cystic fibrosis transmembrane conductance regulator gene. Nat Genet. 2013 45(10):1160-7.

CFTR-France
Classification: Pathogenic for cystic fibrosis. Last evaluated: 2018-01-29. Review status: criteria provided, single submitter. Criteria: Claustres M et al. (Hum Mutat 2017). Collection method: curation. Allele origin: germline. Affected: yes. Not counted in ClinVar's aggregate classification.

Counsyl
Classification: Pathogenic for Cystic fibrosis. Last evaluated: 2018-02-26. Review status: no assertion criteria provided. Collection method: clinical testing. Allele origin: unknown. Not counted in ClinVar's aggregate classification.

Literature cited by the submitters: PubMed 7525450 (cited by Labcorp Genetics (formerly Invitae), Labcorp and Women's Health and Genetics/Laboratory Corporation of America, LabCorp); PubMed 9401110 (cited by Labcorp Genetics (formerly Invitae), Labcorp); PubMed 9439669 (cited by Labcorp Genetics (formerly Invitae), Labcorp); PubMed 10798368 (cited by 3 submitters); PubMed 15638824 (cited by 3 submitters); PubMed 22483971 (cited by Labcorp Genetics (formerly Invitae), Labcorp and Women's Health and Genetics/Laboratory Corporation of America, LabCorp); PubMed 25910067 (cited by 3 submitters); PubMed 23974870 (cited by 4 submitters); PubMed 7525963 (cited by Women's Health and Genetics/Laboratory Corporation of America, LabCorp); PubMed 17331079 (cited by Women's Health and Genetics/Laboratory Corporation of America, LabCorp and Ambry Genetics); PubMed 10923036 (cited by Women's Health and Genetics/Laboratory Corporation of America, LabCorp); PubMed 15084222 (cited by Women's Health and Genetics/Laboratory Corporation of America, LabCorp); PubMed 1284534 (cited by Women's Health and Genetics/Laboratory Corporation of America, LabCorp); PubMed 17850636 (cited by Women's Health and Genetics/Laboratory Corporation of America, LabCorp); PubMed 8844213 (cited by Women's Health and Genetics/Laboratory Corporation of America, LabCorp); PubMed 7542223 (cited by Women's Health and Genetics/Laboratory Corporation of America, LabCorp); PubMed 16963320 (cited by Women's Health and Genetics/Laboratory Corporation of America, LabCorp and Ambry Genetics); PubMed 15738290 (cited by Women's Health and Genetics/Laboratory Corporation of America, LabCorp and Ambry Genetics); PubMed 23687349 (cited by Women's Health and Genetics/Laboratory Corporation of America, LabCorp); PubMed 16980811 (cited by Women's Health and Genetics/Laboratory Corporation of America, LabCorp); PubMed 25304080 (cited by Women's Health and Genetics/Laboratory Corporation of America, LabCorp); PubMed 21416780 (cited by Women's Health and Genetics/Laboratory Corporation of America, LabCorp); PubMed 7723568 (cited by Women's Health and Genetics/Laboratory Corporation of America, LabCorp); PubMed 25735457 (cited by Women's Health and Genetics/Laboratory Corporation of America, LabCorp); PubMed 27022295 (cited by Women's Health and Genetics/Laboratory Corporation of America, LabCorp); PubMed 23276700 (cited by Ambry Genetics); PubMed 29805046 (cited by Ambry Genetics).